The following is an entry in ClinVar:

ClinVar aggregate classification (germline): Uncertain significance (1 of 4 stars; one submission).

Conditions:
Cardiovascular phenotype. Identifiers: MedGen CN230736.

Submission:

Ambry Genetics
Classification: Uncertain significance for Cardiovascular phenotype. Last evaluated: 2026-04-04. Review status: criteria provided, single submitter. Criteria: Ambry Variant Classification Scheme 2023. Collection method: clinical testing. Allele origin: germline.
Comment: The p.A101T variant (also known as c.301G>A), located in coding exon 4 of the TXNRD2 gene, results from a G to A substitution at nucleotide position 301. The alanine at codon 101 is replaced by threonine, an amino acid with similar properties. This amino acid position is conserved. In addition, the in silico prediction for this alteration is inconclusive. Based on the available evidence, the clinical significance of this variant remains unclear.

NM_006440.5(TXNRD2):c.301G>A (p.Ala101Thr)

Gene: TXNRD2 (thioredoxin reductase 2; minus strand). Cytogenetic location: 22q11.21.
Variant type: single nucleotide variant.
Coding change: c.301G>A on transcript NM_006440.5 (MANE Select); coding-DNA position 301, G replaced by A.
Protein change: p.Ala101Thr; replaces alanine 101 with threonine.
Molecular consequence: missense variant. On other transcripts: non-coding transcript variant (1).
Genome position (GRCh38, 1-based): chr22:19,918,933, C>T on the plus strand (G>A on the coding strand, the complement: TXNRD2 is on the minus strand). VCF-style: chr22-19918933-C-T. GRCh37 (hg19) VCF-style: chr22-19906456-C-T.
Other names: c.301G>A, p.Ala101Thr (NM_001282512.3); c.298G>A, p.Ala100Thr (NM_001352300.2); c.211G>A, p.Ala71Thr (NM_001352301.2); c.13G>A, p.Ala5Thr (NM_001352302.2); c.205G>A, p.Ala69Thr (NM_001352303.2); short protein forms A100T, A101T, A5T, A69T, A71T.
Identifiers: ClinVar variation 4866270 (VCV004866270.1).
Genomic context (GRCh38, chr22:19,918,933, plus strand): 5'-CGGGCTGGGCCACCTCCCAGCCATAGTTGGGGGCATCTTGGATCAGGCCTCCCAGCAGTG[C>T]CGCCTGGTGCATCAGCTTCTTGGGGATGCAGCCCACGTTGACGCAGGTGCCGCCGAGGCC-3'
Protein context (NP_006431.2, residues 91-111): CIPKKLMHQA[Ala101Thr]LLGGLIQDAP